The following is an entry in ClinVar:

NM_001035.3(RYR2):c.14080T>G (p.Leu4694Val)

Gene: RYR2 (ryanodine receptor 2; plus strand). Cytogenetic location: 1q43.
Variant type: single nucleotide variant.
Coding change: c.14080T>G on transcript NM_001035.3 (MANE Select); coding-DNA position 14080, T replaced by G.
Protein change: p.Leu4694Val; replaces leucine 4694 with valine.
Molecular consequence: missense variant.
Genome position (GRCh38, 1-based): chr1:237,798,160, T>G. VCF-style: chr1-237798160-T-G. GRCh37 (hg19) VCF-style: chr1-237961460-T-G.
Other names: short protein forms L4694V.
Identifiers: ClinVar variation 1469119 (VCV001469119.9), dbSNP rs2149404631, ClinGen allele CA345420099.

ClinVar aggregate classification (germline): Uncertain significance. Review status: criteria provided, multiple submitters, no conflicts (2 of 4 stars). 3 submissions from 3 submitters: Uncertain significance (3). Last evaluated 2025-06-09.

Conditions:
Catecholaminergic polymorphic ventricular tachycardia 1. Also called: RYR2-Related Catecholaminergic Polymorphic Ventricular Tachycardia; VENTRICULAR TACHYCARDIA, STRESS-INDUCED POLYMORPHIC 1; VENTRICULAR TACHYCARDIA, CATECHOLAMINERGIC POLYMORPHIC, 1, WITH OR WITHOUT ATRIAL DYSFUNCTION AND/OR DILATED CARDIOMYOPATHY. Identifiers: Orphanet 3286, MedGen C1631597, MONDO:0011484, OMIM 604772.
Ventricular arrhythmias due to cardiac ryanodine receptor calcium release deficiency syndrome. Also called: Autosomal dominant cardiac arrhythmia (Kuhn). Identifiers: MedGen C5542154, MONDO:0020745, OMIM 115000.
Arrhythmogenic right ventricular dysplasia 2. Identifiers: MedGen C1832931.
Cardiomyopathy (CMYO). Also called: Cardiomyopathies. Identifiers: Orphanet 167848, MedGen C0878544, MONDO:0004994, HP:0001638. Inheritance: Various modes of inheritance.

Submissions (3):

Color Diagnostics, LLC DBA Color Health
Classification: Uncertain significance for Cardiomyopathy. Last evaluated: 2025-06-09. Review status: criteria provided, single submitter. Criteria: ACMG Guidelines, 2015. Collection method: clinical testing. Allele origin: germline.
Comment: This missense variant replaces leucine with valine at codon 4694 of the RYR2 protein. Computational prediction suggests that this variant may not impact protein structure and function. To our knowledge, functional studies have not been reported for this variant. This variant has not been reported in individuals affected with RYR2-related disorders in the literature. This variant has not been identified in the general population by the Genome Aggregation Database (gnomAD). The available evidence is insufficient to determine the role of this variant in disease conclusively. Therefore, this variant is classified as a Variant of Uncertain Significance.

Labcorp Genetics (formerly Invitae), Labcorp
Classification: Uncertain significance for Catecholaminergic polymorphic ventricular tachycardia 1. Last evaluated: 2022-05-19. Review status: criteria provided, single submitter. Criteria: Invitae Variant Classification Sherloc (09022015). Collection method: clinical testing. Allele origin: germline.
Comment: In summary, the available evidence is currently insufficient to determine the role of this variant in disease. Therefore, it has been classified as a Variant of Uncertain Significance. Advanced modeling of protein sequence and biophysical properties (such as structural, functional, and spatial information, amino acid conservation, physicochemical variation, residue mobility, and thermodynamic stability) performed at Invitae indicates that this missense variant is not expected to disrupt RYR2 protein function. This variant has not been reported in the literature in individuals affected with RYR2-related conditions. This variant is not present in population databases (gnomAD no frequency). This sequence change replaces leucine, which is neutral and non-polar, with valine, which is neutral and non-polar, at codon 4694 of the RYR2 protein (p.Leu4694Val).

Fulgent Genetics
Classification: Uncertain significance for Ventricular arrhythmias due to cardiac ryanodine receptor calcium release deficiency syndrome; Catecholaminergic polymorphic ventricular tachycardia 1. Last evaluated: 2021-07-23. Review status: criteria provided, single submitter. Criteria: ACMG Guidelines, 2015. Collection method: clinical testing. Allele origin: unknown.